The following is an entry in ClinVar:

ClinVar aggregate classification (germline): Uncertain significance. Review status: criteria provided, multiple submitters, no conflicts (2 of 4 stars). 6 submissions from 6 submitters: Uncertain significance (6). Last evaluated 2025-07-27.

Conditions:
Gnathodiaphyseal dysplasia (GDD). Also called: GNATHODIAPHYSEAL SCLEROSIS; OSTEOGENESIS IMPERFECTA WITH UNUSUAL SKELETAL LESIONS. Identifiers: Orphanet 53697, MedGen C1833736, MONDO:0008151, OMIM 166260.
Autosomal recessive limb-girdle muscular dystrophy type 2L (LGMDR12). Also called: MUSCULAR DYSTROPHY, LIMB-GIRDLE, AUTOSOMAL RECESSIVE 12; Limb-Girdle Muscular Dystrophy R12 Anoctamin-5-Related (LGMD-R12); Limb-girdle muscular dystrophy, type 2L. Identifiers: Orphanet 206549, MedGen C1969785, MONDO:0012652, OMIM 611307.
ANO5-Related Muscle Diseases. Identifiers: MedGen CN180644.

Allele frequency attached by ClinVar (database versions not stated): ESP Exome Variant Server 0.00008; gnomAD exomes 0.00008 and 0.00025; TOPMed 0.00008; gnomAD 0.00009 and 0.00010; ExAC 0.00036.
gnomAD v4.1: 144 of 1,613,228 alleles (0.0089%); highest among the groups gnomAD compares: Non-Finnish European, 0.0064%; no homozygotes.

Submissions (6):

Labcorp Genetics (formerly Invitae), Labcorp
Classification: Uncertain significance for Autosomal recessive limb-girdle muscular dystrophy type 2L; Gnathodiaphyseal dysplasia. Last evaluated: 2025-07-27. Review status: criteria provided, single submitter. Criteria: Invitae Variant Classification Sherloc (09022015). Collection method: clinical testing. Allele origin: germline.
Comment: This sequence change falls in intron 19 of the ANO5 gene. It does not directly change the encoded amino acid sequence of the ANO5 protein. It affects a nucleotide within the consensus splice site. This variant is present in population databases (rs372056234, gnomAD 0.09%). This variant has not been reported in the literature in individuals affected with ANO5-related conditions. ClinVar contains an entry for this variant (Variation ID: 286474). Variants that disrupt the consensus splice site are a relatively common cause of aberrant splicing (PMID: 17576681, 9536098). Algorithms developed to predict the effect of sequence changes on RNA splicing suggest that this variant may disrupt the consensus splice site. In summary, the available evidence is currently insufficient to determine the role of this variant in disease. Therefore, it has been classified as a Variant of Uncertain Significance.

Athena Diagnostics
Classification: Uncertain significance. Last evaluated: 2025-02-10. Review status: criteria provided, single submitter. Criteria: Athena Diagnostics Criteria. Collection method: clinical testing. Allele origin: unknown.
Comment: Available data are insufficient to determine the clinical significance of the variant at this time. The frequency of this variant in the general population is uninformative in assessment of its pathogenicity. Computational tools yielded predictions that this variant may interfere with normal RNA splicing.

Blueprint Genetics
Classification: Uncertain significance. Last evaluated: 2023-06-27. Review status: criteria provided, single submitter. Criteria: ACMG Guidelines, 2015. Collection method: clinical testing. Allele origin: germline.

Mayo Clinic Laboratories, Mayo Clinic
Classification: Uncertain significance. Last evaluated: 2020-12-08. Review status: criteria provided, single submitter. Criteria: ACMG Guidelines, 2015. Collection method: clinical testing. Allele origin: germline. Observed: 1 variant allele.

Illumina Laboratory Services, Illumina
Classification: Uncertain significance for ANO5-Related Muscle Diseases. Last evaluated: 2018-01-13. Review status: criteria provided, single submitter. Criteria: ICSL Variant Classification Criteria 13 December 2019. Collection method: clinical testing. Allele origin: germline.

Eurofins Ntd Llc (ga)
Classification: Uncertain significance. Last evaluated: 2017-11-08. Review status: criteria provided, single submitter. Criteria: EGL Classification Definitions 2015. Collection method: clinical testing. Allele origin: germline. Observed: 3 variant alleles, 3 heterozygotes.

Literature cited by the submitters: PubMed 17576681 (cited by Labcorp Genetics (formerly Invitae), Labcorp); PubMed 9536098 (cited by Labcorp Genetics (formerly Invitae), Labcorp).

NM_213599.3(ANO5):c.2235+4A>C

Gene: ANO5 (anoctamin 5; plus strand). Cytogenetic location: 11p14.3.
Variant type: single nucleotide variant.
Coding change: c.2235+4A>C on transcript NM_213599.3 (MANE Select); 4 bases into the intron after coding-DNA position 2235, A replaced by C.
Molecular consequence: intron variant.
Genome position (GRCh38, 1-based): chr11:22,272,993, A>C. VCF-style: chr11-22272993-A-C. GRCh37 (hg19) VCF-style: chr11-22294539-A-C.
Other names: c.2232+4A>C (NM_001142649.2).
Identifiers: ClinVar variation 286474 (VCV000286474.25), dbSNP rs372056234, ClinGen allele CA5923477.
Genomic context (GRCh38, chr11:22,272,993, plus strand): 5'-ATAGGTGTTTGGCAAGACATTCTTTATGGAATGGCTGTCCTTTCTGTTGCAACTAATGTA[A>C]GTGGACCTATTTCGGTGGGGTGACTTTGTATTTCATTTTGGGGGGTGTGGGGAGATGTGA-3'